The following is an entry in ClinVar:

NM_001267550.2(TTN):c.86364G>A (p.Trp28788Ter)

Genes: TTN (titin; minus strand), TTN-AS1 (TTN antisense RNA 1; plus strand). Cytogenetic location: 2q31.2.
Variant type: single nucleotide variant.
Coding change: c.86364G>A on transcript NM_001267550.2 (MANE Select); coding-DNA position 86364, G replaced by A.
Protein change: p.Trp28788Ter; replaces tryptophan 28788 with a stop codon.
Molecular consequence: nonsense.
Genome position (GRCh38, 1-based): chr2:178,559,768, C>T on the plus strand (G>A on the coding strand, the complement: TTN is on the minus strand). VCF-style: chr2-178559768-C-T. GRCh37 (hg19) VCF-style: chr2-179424495-C-T.
Other names: c.81441G>A, p.Trp27147Ter (NM_001256850.1); c.59169G>A, p.Trp19723Ter (NM_003319.4); c.78660G>A, p.Trp26220Ter (NM_133378.4); c.59544G>A, p.Trp19848Ter (NM_133432.3); c.59745G>A, p.Trp19915Ter (NM_133437.4); short protein forms W19723*, W19848*, W19915*, W26220*, W27147*, W28788*.
Identifiers: ClinVar variation 4866246 (VCV004866246.1).

ClinVar aggregate classification (germline): Pathogenic (1 of 4 stars; one submission).

Conditions:
Cardiovascular phenotype. Identifiers: MedGen CN230736.

Submission:

Ambry Genetics
Classification: Pathogenic for Cardiovascular phenotype. Last evaluated: 2026-06-12. Review status: criteria provided, single submitter. Criteria: Ambry Variant Classification Scheme 2023. Collection method: clinical testing. Allele origin: germline.
Comment: The p.W19723* pathogenic mutation (also known as c.59169G>A), located in coding exon 153 of the TTN gene, results from a G to A substitution at nucleotide position 59169. This changes the amino acid from a tryptophan to a stop codon within coding exon 153. This exon is located in the A-band region of the N2-B isoform of the titin protein and is constitutively expressed in TTN transcripts (percent spliced in or PSI 100%). This variant was reported in individual(s) with features consistent with dilated cardiomyopathy (DCM) (Ambry internal data). A different nucleotide change resulting in the same protein impact (p.Trp19723*, c.59168G>A) has also been detected in individuals with DCM (Herman DS et al. N Engl J Med. 2012 Feb;366(7):619-28; Gigli M et al. J Am Coll Cardiol, 2019 Sep;74:1480-1490). Note, this variant is also referred to as c.86363G>A, p.Trp28788X and c.81440G>A p.Trp27147X in the literature. This variant is considered to be rare based on population cohorts in the Genome Aggregation Database (gnomAD). This variant is expected to result in loss of function by premature protein truncation or nonsense-mediated mRNA decay. While truncating variants in TTN are present in 1-3% of the general population, truncating variants in the A-band are the most common cause of dilated cardiomyopathy (Herman DS et al. N. Engl. J. Med., 2012 Feb;366:619-28; Roberts AM et al. Sci Transl Med, 2015 Jan;7:270ra6). TTN truncating variants encoded in constitutive exons (PSI >90%) have been found to be significantly associated with DCM regardless of their position in titin (Schafer S et al. Nat. Genet., 2017 01;49:46-53; Akhtar MM et al. Circ Heart Fail, 2020 Oct;13:e006832; Massier M et al. Clin Genet, 2025 Jan). Based on the supporting evidence, this variant is interpreted as a disease-causing mutation.

Literature cited by the submitters: PubMed 22335739; PubMed 31514951.